The following is an entry in ClinVar:

NM_018063.5(HELLS):c.2404G>A (p.Asp802Asn)

Gene: HELLS (helicase, lymphoid specific; plus strand). Cytogenetic location: 10q23.33.
Variant type: single nucleotide variant.
Coding change: c.2404G>A on transcript NM_018063.5 (MANE Select); coding-DNA position 2404, G replaced by A.
Protein change: p.Asp802Asn; replaces aspartic acid 802 with asparagine.
Molecular consequence: missense variant.
Genome position (GRCh38, 1-based): chr10:94,597,093, G>A. VCF-style: chr10-94597093-G-A. GRCh37 (hg19) VCF-style: chr10-96356850-G-A.
Other names: c.2542G>A, p.Asp848Asn (NM_001289067.2); c.2356G>A, p.Asp786Asn (NM_001289068.2); c.2308G>A, p.Asp770Asn (NM_001289069.2); c.2110G>A, p.Asp704Asn (NM_001289070.2); c.2032G>A, p.Asp678Asn (NM_001289071.2); c.2014G>A, p.Asp672Asn (NM_001289072.2); c.1990G>A, p.Asp664Asn (NM_001289073.2); c.1321G>A, p.Asp441Asn (NM_001289074.2); and 1 more; short protein forms D672N, D396N, D704N, D786N, D802N, D848N, D441N, D664N.
Identifiers: ClinVar variation 1351258 (VCV001351258.8), dbSNP rs1845775325, ClinGen allele CA377669136.
Genomic context (GRCh38, chr10:94,597,093, plus strand): 5'-AGGGAAATAAAAGGATCAAGAGAGAAGGTCATTAGTGATAAAGATCTAGAGTTGTTGTTA[G>A]ATCGAAGTGATCTTATTGGTAAGTATTATGCTTTTTTTTAATGGAAGCTTCGAAACATAC-3'
Protein context (NP_060533.2, residues 792-812): ISDKDLELLL[Asp802Asn]RSDLIDQMNA

ClinVar aggregate classification (germline): Uncertain significance (1 of 4 stars; one submission).

Submission:

Labcorp Genetics (formerly Invitae), Labcorp
Classification: Uncertain significance. Last evaluated: 2023-08-30. Review status: criteria provided, single submitter. Criteria: Invitae Variant Classification Sherloc (09022015). Collection method: clinical testing. Allele origin: germline.
Comment: In summary, the available evidence is currently insufficient to determine the role of this variant in disease. Therefore, it has been classified as a Variant of Uncertain Significance. An algorithm developed to predict the effect of missense changes on protein structure and function (PolyPhen-2) suggests that this variant is likely to be disruptive. ClinVar contains an entry for this variant (Variation ID: 1351258). This variant has not been reported in the literature in individuals affected with HELLS-related conditions. This variant is not present in population databases (gnomAD no frequency). This sequence change replaces aspartic acid, which is acidic and polar, with asparagine, which is neutral and polar, at codon 802 of the HELLS protein (p.Asp802Asn).